The following is an entry in ClinVar:

ClinVar aggregate classification (germline): Uncertain significance. Review status: criteria provided, multiple submitters, no conflicts (2 of 4 stars). 3 submissions from 3 submitters: Uncertain significance (3). Last evaluated 2023-04-24.

Conditions:
Cardiovascular phenotype. Identifiers: MedGen CN230736.
Hypertrophic cardiomyopathy. Also called: HYPERTROPHIC MYOCARDIOPATHY. Identifiers: Orphanet 217569, MedGen C0007194, MeSH D002312, MONDO:0005045, HP:0001639.

Submissions (3):

Labcorp Genetics (formerly Invitae), Labcorp
Classification: Uncertain significance for Hypertrophic cardiomyopathy. Last evaluated: 2023-04-24. Review status: criteria provided, single submitter. Criteria: Invitae Variant Classification Sherloc (09022015). Collection method: clinical testing. Allele origin: germline.
Comment: This sequence change replaces isoleucine, which is neutral and non-polar, with leucine, which is neutral and non-polar, at codon 313 of the MYH7 protein (p.Ile313Leu). This variant is not present in population databases (gnomAD no frequency). This variant has not been reported in the literature in individuals affected with MYH7-related conditions. ClinVar contains an entry for this variant (Variation ID: 1321044). Advanced modeling of protein sequence and biophysical properties (such as structural, functional, and spatial information, amino acid conservation, physicochemical variation, residue mobility, and thermodynamic stability) performed at Invitae indicates that this missense variant is not expected to disrupt MYH7 protein function. In summary, the available evidence is currently insufficient to determine the role of this variant in disease. Therefore, it has been classified as a Variant of Uncertain Significance.

Ambry Genetics
Classification: Uncertain significance for Cardiovascular phenotype. Last evaluated: 2022-10-11. Review status: criteria provided, single submitter. Criteria: Ambry Variant Classification Scheme 2023. Collection method: clinical testing. Allele origin: germline.
Comment: The p.I313L variant (also known as c.937A>C), located in coding exon 9 of the MYH7 gene, results from an A to C substitution at nucleotide position 937. The isoleucine at codon 313 is replaced by leucine, an amino acid with highly similar properties. This amino acid position is well conserved in available vertebrate species. In addition, this alteration is predicted to be tolerated by in silico analysis. Since supporting evidence is limited at this time, the clinical significance of this alteration remains unclear.

GeneDx
Classification: Uncertain significance. Last evaluated: 2019-04-11. Review status: criteria provided, single submitter. Criteria: GeneDx Variant Classification Process June 2021. Collection method: clinical testing. Allele origin: germline. Affected: yes.
Comment: Has not been previously published as pathogenic or benign to our knowledge; Not observed in large population cohorts (Lek et al., 2016); In silico analysis, which includes protein predictors and evolutionary conservation, supports that this variant does not alter protein structure/function

Literature cited by the submitters: PubMed 27247418 (cited by Ambry Genetics).

NM_000257.4(MYH7):c.937A>C (p.Ile313Leu)

Gene: MYH7 (myosin heavy chain 7; minus strand). Cytogenetic location: 14q11.2.
Variant type: single nucleotide variant.
Coding change: c.937A>C on transcript NM_000257.4 (MANE Select); coding-DNA position 937, A replaced by C.
Protein change: p.Ile313Leu; replaces isoleucine 313 with leucine.
Molecular consequence: missense variant.
Genome position (GRCh38, 1-based): chr14:23,430,622, T>G on the plus strand (A>C on the coding strand, the complement: MYH7 is on the minus strand). VCF-style: chr14-23430622-T-G. GRCh37 (hg19) VCF-style: chr14-23899831-T-G.
Other names: short protein forms I313L.
Identifiers: ClinVar variation 1321044 (VCV001321044.6), dbSNP rs1323103660, ClinGen allele CA389051715.